The following is an entry in ClinVar:

NM_001267550.2(TTN):c.56234A>T (p.Asp18745Val)

Genes: TTN (titin; minus strand), TTN-AS1 (TTN antisense RNA 1; plus strand). Cytogenetic location: 2q31.2.
Variant type: single nucleotide variant.
Coding change: c.56234A>T on transcript NM_001267550.2 (MANE Select); coding-DNA position 56234, A replaced by T.
Protein change: p.Asp18745Val; replaces aspartic acid 18745 with valine.
Molecular consequence: missense variant. On other transcripts: non-coding transcript variant (1).
Genome position (GRCh38, 1-based): chr2:178,599,667, T>A on the plus strand (A>T on the coding strand, the complement: TTN is on the minus strand). VCF-style: chr2-178599667-T-A. GRCh37 (hg19) VCF-style: chr2-179464394-T-A.
Other names: p.D17104V:GAT>GTT; c.51311A>T, p.Asp17104Val (NM_001256850.1); c.29039A>T, p.Asp9680Val (NM_003319.4); c.48530A>T, p.Asp16177Val (NM_133378.4); c.29414A>T, p.Asp9805Val (NM_133432.3); c.29615A>T, p.Asp9872Val (NM_133437.4); short protein forms D17104V, D18745V, D16177V, D9680V, D9805V, D9872V.
Identifiers: ClinVar variation 202727 (VCV000202727.2), dbSNP rs794729461, ClinGen allele CA310101.
Genomic context (GRCh38, chr2:178,599,667, plus strand): 5'-GTGATGGTATATAAGCCAGTGTCACTCCTGCGAGACTGCGGAATAACTAAAGTGCAAGTA[T>A]CATCTACCACCAGTTTGTTGACATGGGTGTCATAGAGAACAGGTTCTTTGTTATCAGGCT-3'
Protein context (NP_001254479.2, residues 18735-18755): DTHVNKLVVD[Asp18745Val]TCTLVIPQSR

ClinVar aggregate classification (germline): Uncertain significance (1 of 4 stars; one submission).

Submission:

GeneDx
Classification: Uncertain significance. Last evaluated: 2013-07-19. Review status: criteria provided, single submitter. Criteria: GeneDx Variant Classification (06012015). Collection method: clinical testing. Allele origin: germline. Affected: yes.
Comment: Missense variants in the TTN gene are considered 'unclassified' if they are not previously reported in the literature and do not have >1% frequency in the population to be considered a polymorphism. Research indicates that truncating mutations in the TTN gene are expected to account for approximately 25% of familial and 18% of sporadic idiopathic DCM; however, truncating variants in the TTN gene have been reported in approximately 3% of reported control alleles. There has been little investigation into non-truncating variants. (Herman D et al. Truncations of titin causing dilated cardiomyopathy. N Eng J Med 366:619-628, 2012) The variant is found in DCM panel(s).